The following is an entry in ClinVar:

NM_001394062.1(MACF1):c.21819C>T (p.Thr7273=)

Gene: MACF1 (microtubule actin crosslinking factor 1; plus strand). Cytogenetic location: 1p34.3.
Variant type: single nucleotide variant.
Coding change: c.21819C>T on transcript NM_001394062.1 (MANE Select); coding-DNA position 21819, C replaced by T.
Protein change: p.Thr7273=; no amino-acid change (threonine 7273 retained).
Molecular consequence: synonymous variant.
Genome position (GRCh38, 1-based): chr1:39,468,662, C>T. VCF-style: chr1-39468662-C-T. GRCh37 (hg19) VCF-style: chr1-39934334-C-T.
Other names: c.9879C>T, p.Thr3293= (NM_001397473.1); c.15624C>T, p.Thr5208= (NM_012090.5).
Identifiers: ClinVar variation 2187305 (VCV002187305.16), dbSNP rs200044531, ClinGen allele CA784773.

ClinVar aggregate classification (germline): Likely benign. Review status: criteria provided, multiple submitters, no conflicts (2 of 4 stars). 4 submissions from 4 submitters: Likely benign (4). Last evaluated 2026-01-01.

Conditions:
MACF1-related disorder. Also called: MACF1-related condition.

Allele frequency attached by ClinVar (database versions not stated): TOPMed 0.00005; gnomAD 0.00007; gnomAD exomes 0.00008; ExAC 0.00010; ESP Exome Variant Server 0.00015; 1000 Genomes Project 30x 0.00016; 1000 Genomes Project 0.00020.
gnomAD v4.1: 127 of 1,614,122 alleles (0.0079%); highest among the groups gnomAD compares: South Asian, 0.027%; 1 homozygote.

Submissions (4):

CeGaT Center for Human Genetics Tuebingen
Classification: Likely benign. Last evaluated: 2026-01-01. Review status: criteria provided, single submitter. Criteria: CeGaT Center For Human Genetics Tuebingen Variant Classification Criteria Version 2. Collection method: clinical testing. Allele origin: germline. Affected: yes. Observed: 2 variant alleles.
Comment: MACF1: BP4, BP7

PreventionGenetics, part of Exact Sciences
Classification: Likely benign for MACF1-related condition. Last evaluated: 2025-10-23. Review status: criteria provided, single submitter. Criteria: ACMG Guidelines, 2015. Collection method: clinical testing. Allele origin: germline.
Comment: This variant is classified as likely benign based on ACMG/AMP sequence variant interpretation guidelines (Richards et al. 2015 PMID: 25741868, with internal and published modifications).

Labcorp Genetics (formerly Invitae), Labcorp
Classification: Likely benign. Last evaluated: 2025-03-05. Review status: criteria provided, single submitter. Criteria: Invitae Variant Classification Sherloc (09022015). Collection method: clinical testing. Allele origin: germline.

Blueprint Genetics
Classification: Likely benign. Last evaluated: 2024-10-24. Review status: criteria provided, single submitter. Criteria: ACMG Guidelines, 2015. Collection method: clinical testing. Allele origin: germline.